The following is an entry in ClinVar:

NM_004211.5(SLC6A5):c.1867C>A (p.Gln623Lys)

Gene: SLC6A5 (solute carrier family 6 member 5; plus strand). Cytogenetic location: 11p15.1.
Variant type: single nucleotide variant.
Coding change: c.1867C>A on transcript NM_004211.5 (MANE Select); coding-DNA position 1867, C replaced by A.
Protein change: p.Gln623Lys; replaces glutamine 623 with lysine.
Molecular consequence: missense variant.
Genome position (GRCh38, 1-based): chr11:20,637,301, C>A. VCF-style: chr11-20637301-C-A. GRCh37 (hg19) VCF-style: chr11-20658847-C-A.
Other names: c.1165C>A, p.Gln389Lys (NM_001318369.2); c.1867C>A (NM_004211.3); short protein forms Q389K, Q623K.
Identifiers: ClinVar variation 1461285 (VCV001461285.6), dbSNP rs1332758930, ClinGen allele CA379918349.
Genomic context (GRCh38, chr11:20,637,301, plus strand): 5'-CCAGTGTTTACTCTGGGCTGCTGCATTTGTTTCTTCATCATGGGTTTTCCAATGATCACT[C>A]AGGTAAGCTGCCTCCTAGGCACAGGCTTGGGGTGGGGGCAGGAGGGTGGGGGGCCAATAG-3'
Protein context (NP_004202.4, residues 613-633): FFIMGFPMIT[Gln623Lys]GGIYMFQLVD

ClinVar aggregate classification (germline): Uncertain significance. Review status: criteria provided, multiple submitters, no conflicts (2 of 4 stars). 2 submissions from 2 submitters: Uncertain significance (2). Last evaluated 2024-12-10.

Conditions:
Inborn genetic diseases. Identifiers: MedGen C0950123, MeSH D030342.
Hyperekplexia 3 (HKPX3). Also called: HYPEREKPLEXIA 3, AUTOSOMAL RECESSIVE; HYPEREKPLEXIA 3, AUTOSOMAL DOMINANT. Identifiers: Orphanet 3197, MedGen C3553288, MONDO:0013827, OMIM 614618.

Allele frequency attached by ClinVar (database versions not stated): gnomAD exomes 0.00001.
gnomAD v4.1: 14 of 1,613,084 alleles (0.00087%); highest among the groups gnomAD compares: Non-Finnish European, 0.0011%; no homozygotes.

Submissions (2):

Ambry Genetics
Classification: Uncertain significance for Inborn genetic diseases. Last evaluated: 2024-12-10. Review status: criteria provided, single submitter. Criteria: Ambry Variant Classification Scheme 2023. Collection method: clinical testing. Allele origin: germline.

Labcorp Genetics (formerly Invitae), Labcorp
Classification: Uncertain significance for Hyperekplexia 3. Last evaluated: 2021-09-01. Review status: criteria provided, single submitter. Criteria: Invitae Variant Classification Sherloc (09022015). Collection method: clinical testing. Allele origin: germline.
Comment: This sequence change replaces glutamine with lysine at codon 623 of the SLC6A5 protein (p.Gln623Lys). The glutamine residue is highly conserved and there is a small physicochemical difference between glutamine and lysine. This variant is not present in population databases (ExAC no frequency). This variant has not been reported in the literature in individuals affected with SLC6A5-related conditions. Algorithms developed to predict the effect of missense changes on protein structure and function (SIFT, PolyPhen-2, Align-GVGD) all suggest that this variant is likely to be tolerated. In summary, the available evidence is currently insufficient to determine the role of this variant in disease. Therefore, it has been classified as a Variant of Uncertain Significance.